The following is an entry in ClinVar:

ClinVar aggregate classification (germline): Uncertain significance. Review status: criteria provided, multiple submitters, no conflicts (2 of 4 stars). 3 submissions from 3 submitters: Uncertain significance (3). Last evaluated 2023-09-20.

Conditions:
DPAGT1-congenital disorder of glycosylation. Also called: CONGENITAL DISORDER OF GLYCOSYLATION, TYPE Ij; CDG Ij; DPAGT1-CDG. Identifiers: Orphanet 86309, MedGen C2931004, MONDO:0011964, OMIM 608093.
Congenital myasthenic syndrome 13 (CMS13). Also called: Myasthenic syndrome, congenital, 13, with tubular aggregates; Myasthenic syndrome, congenital, with tubular aggregates 2. Identifiers: Orphanet 353327, Orphanet 590, MedGen C3553645, MONDO:0013883, OMIM 614750.
Inborn genetic diseases. Identifiers: MedGen C0950123, MeSH D030342.

Allele frequency attached by ClinVar (database versions not stated): ExAC 0.00001; gnomAD exomes 0.00001; gnomAD 0.00002; TOPMed 0.00002.
gnomAD v4.1: 20 of 1,614,168 alleles (0.0012%); highest among the groups gnomAD compares: Non-Finnish European, 0.0017%; no homozygotes.

Submissions (3):

Ambry Genetics
Classification: Uncertain significance for Inborn genetic diseases. Last evaluated: 2023-09-20. Review status: criteria provided, single submitter. Criteria: Ambry Variant Classification Scheme 2023. Collection method: clinical testing. Allele origin: germline.

Revvity Omics, Revvity
Classification: Uncertain significance. Last evaluated: 2023-07-28. Review status: criteria provided, single submitter. Criteria: ACMG Guidelines, 2015. Collection method: clinical testing. Allele origin: germline.

Labcorp Genetics (formerly Invitae), Labcorp
Classification: Uncertain significance for Congenital myasthenic syndrome 13; DPAGT1-congenital disorder of glycosylation. Last evaluated: 2020-07-01. Review status: criteria provided, single submitter. Criteria: Invitae Variant Classification Sherloc (09022015). Collection method: clinical testing. Allele origin: germline.
Comment: In summary, the available evidence is currently insufficient to determine the role of this variant in disease. Therefore, it has been classified as a Variant of Uncertain Significance. Algorithms developed to predict the effect of missense changes on protein structure and function output the following: SIFT: "Tolerated"; PolyPhen-2: "Benign"; Align-GVGD: "Class C0". The leucine amino acid residue is found in multiple mammalian species, suggesting that this missense change does not adversely affect protein function. These predictions have not been confirmed by published functional studies and their clinical significance is uncertain. This variant has not been reported in the literature in individuals with DPAGT1-related conditions. This variant is present in population databases (rs764519878, ExAC 0.002%). This sequence change replaces serine with leucine at codon 5 of the DPAGT1 protein (p.Ser5Leu). The serine residue is weakly conserved and there is a large physicochemical difference between serine and leucine.

NM_001382.4(DPAGT1):c.14C>T (p.Ser5Leu)

Genes: DPAGT1 (dolichyl-phosphate N-acetylglucosaminephosphotransferase 1; minus strand), LOC126861360 (BRD4-independent group 4 enhancer GRCh37_chr11:118972216-118973415; plus strand). Cytogenetic location: 11q23.3.
Variant type: single nucleotide variant.
Coding change: c.14C>T on transcript NM_001382.4 (MANE Select); coding-DNA position 14, C replaced by T.
Protein change: p.Ser5Leu; replaces serine 5 with leucine.
Molecular consequence: missense variant.
Genome position (GRCh38, 1-based): chr11:119,101,642, G>A on the plus strand (C>T on the coding strand, the complement: DPAGT1 is on the minus strand). VCF-style: chr11-119101642-G-A. GRCh37 (hg19) VCF-style: chr11-118972352-G-A.
Other names: c.14C>T (NM_001382.3); short protein forms S5L.
Identifiers: ClinVar variation 1001621 (VCV001001621.10), dbSNP rs764519878, ClinGen allele CA6314741.